The following is an entry in ClinVar:

NM_003863.4(DPM2):c.139del (p.Arg47fs)

Gene: DPM2 (dolichyl-phosphate mannosyltransferase subunit 2, regulatory; minus strand). Cytogenetic location: 9q34.11.
Variant type: Deletion.
Coding change: c.139del on transcript NM_003863.4 (MANE Select); coding-DNA position 139, one base deleted (C; older notation c.139delC).
Protein change: p.Arg47fs; shifts the reading frame from arginine 47.
Molecular consequence: frameshift variant. On other transcripts: non-coding transcript variant (1).
Genome position (GRCh38, 1-based): chr9:127,936,610, G deleted on the plus strand (C on the coding strand, the reverse complement: DPM2 is on the minus strand); the first of 4 consecutive G bases (chr9:127,936,610-127,936,613); deleting any one gives the same sequence. VCF-style (leftmost placement, unchanged base first): chr9-127936609-CG-C. GRCh37 (hg19) VCF-style: chr9-130698888-CG-C.
Other names: c.49del, p.Arg17fs (NM_001378437.1); short protein forms R17fs, R47fs.
Identifiers: ClinVar variation 984511 (VCV000984511.2), dbSNP rs1831509811, ClinGen allele CA1139661237.
Genomic context (GRCh38, chr9:127,936,609, plus strand): 5'-TTACCCACAAACAGGAGCAGCAGGAGGCCTGCAGCCAGTGGGATGGCGACAGCATAGGCT[CG>C]GGGCAGGAAATACTTGTGGATGACATGCTGACTGTCGATGAATGGCTGGCATCGAGGGAA-3'

ClinVar aggregate classification (germline): Uncertain significance (1 of 4 stars; one submission).

Submission:

Women's Health and Genetics/Laboratory Corporation of America, LabCorp
Classification: Uncertain significance. Last evaluated: 2023-07-27. Review status: criteria provided, single submitter. Criteria: LabCorp Variant Classification Summary - May 2015. Collection method: clinical testing. Allele origin: germline.
Comment: Variant summary: DPM2 c.139delC (p.Arg47GlufsX26) results in a premature termination codon, predicted to cause a truncation of the encoded protein, but not expected to undergo nonsense mediated decay. The variant was absent in 189492 control chromosomes (gnomAD). The available data on variant occurrences in the general population are insufficient to allow any conclusion about variant significance. To our knowledge, no occurrence of c.139delC in individuals affected with Congenital Disorder of Glycosylation Type 1u and no experimental evidence demonstrating its impact on protein function have been reported. However, at least two missense variants located downstream from the frameshift-position (i.e. p.47) of our variant have been reported in affected individuals in the literature (PMID 33129689, 37152991), suggesting that the disrupted protein region might be important for protein function. No submitters have cited clinical-significance assessments for this variant to ClinVar after 2014. Based on the evidence outlined above, the variant was classified as VUS-possibly pathogenic.